The following is an entry in ClinVar:

NM_000292.3(PHKA2):c.448G>A (p.Ala150Thr)

Gene: PHKA2 (phosphorylase kinase regulatory subunit alpha 2; minus strand). Cytogenetic location: Xp22.13.
Variant type: single nucleotide variant.
Coding change: c.448G>A on transcript NM_000292.3 (MANE Select); coding-DNA position 448, G replaced by A.
Protein change: p.Ala150Thr; replaces alanine 150 with threonine.
Molecular consequence: missense variant.
Genome position (GRCh38, 1-based): chrX:18,951,110, C>T on the plus strand (G>A on the coding strand, the complement: PHKA2 is on the minus strand). VCF-style: chrX-18951110-C-T. GRCh37 (hg19) VCF-style: chrX-18969228-C-T.
Other names: short protein forms A150T.
Identifiers: ClinVar variation 1382423 (VCV001382423.8), dbSNP rs750886848, ClinGen allele CA10362115.

ClinVar aggregate classification (germline): Uncertain significance (1 of 4 stars; one submission).

Conditions:
Glycogen storage disease IXa1. Also called: LIVER GLYCOGENOSIS, X-LINKED, TYPE I; GLYCOGEN STORAGE DISEASE VIII; GSD VIII; Glycogen storage disease 8. Identifiers: Orphanet 264580, MedGen C3694531, MONDO:0010598, OMIM 306000.

Allele frequency attached by ClinVar (database versions not stated): gnomAD exomes below 0.00001 and 0.00001; ExAC 0.00001; TOPMed 0.00001; gnomAD 0.00002.
gnomAD v4.1: 6 of 1,209,721 alleles (0.0005%); highest among the groups gnomAD compares: Non-Finnish European, 0.00067%; no homozygotes.

Submission:

Labcorp Genetics (formerly Invitae), Labcorp
Classification: Uncertain significance for Glycogen storage disease IXa1. Last evaluated: 2021-05-28. Review status: criteria provided, single submitter. Criteria: Invitae Variant Classification Sherloc (09022015). Collection method: clinical testing. Allele origin: germline.
Comment: In summary, the available evidence is currently insufficient to determine the role of this variant in disease. Therefore, it has been classified as a Variant of Uncertain Significance. This sequence change replaces alanine with threonine at codon 150 of the PHKA2 protein (p.Ala150Thr). The alanine residue is highly conserved and there is a small physicochemical difference between alanine and threonine. The frequency data for this variant in the population databases is considered unreliable, as metrics indicate poor data quality at this position in the ExAC database. This variant has not been reported in the literature in individuals with PHKA2-related conditions. Algorithms developed to predict the effect of missense changes on protein structure and function are either unavailable or do not agree on the potential impact of this missense change (SIFT: "Deleterious"; PolyPhen-2: "Probably Damaging"; Align-GVGD: "Class C0").